The following is an entry in ClinVar:

NM_003494.4(DYSF):c.34G>T (p.Val12Phe)

Gene: DYSF (dysferlin; plus strand). Cytogenetic location: 2p13.2.
Variant type: single nucleotide variant.
Coding change: c.34G>T on transcript NM_003494.4 (MANE Plus Clinical); coding-DNA position 34, G replaced by T.
Protein change: p.Val12Phe; replaces valine 12 with phenylalanine.
Molecular consequence: missense variant.
Genome position (GRCh38, 1-based): chr2:71,454,032, G>T. VCF-style: chr2-71454032-G-T. GRCh37 (hg19) VCF-style: chr2-71681162-G-T.
Other names: c.34G>T, p.Val12Phe (NM_001130976.2, NM_001130977.2, NM_001130978.2 and 3 more transcripts); short protein forms V12F.
Identifiers: ClinVar variation 2695352 (VCV002695352.3), dbSNP rs2466863357, ClinGen allele CA347206070.

ClinVar aggregate classification (germline): Uncertain significance (1 of 4 stars; one submission).

Conditions:
Neuromuscular disease caused by qualitative or quantitative defects of dysferlin. Also called: Dysferlinopathy; Qualitative or quantitative defects of dysferlin. Identifiers: Orphanet 207073, MedGen C2931687, MONDO:0016145.

Submission:

Labcorp Genetics (formerly Invitae), Labcorp
Classification: Uncertain significance for Neuromuscular disease caused by qualitative or quantitative defects of dysferlin. Last evaluated: 2023-11-19. Review status: criteria provided, single submitter. Criteria: Invitae Variant Classification Sherloc (09022015). Collection method: clinical testing. Allele origin: germline.
Comment: This sequence change replaces valine, which is neutral and non-polar, with phenylalanine, which is neutral and non-polar, at codon 12 of the DYSF protein (p.Val12Phe). This variant is not present in population databases (gnomAD no frequency). This variant has not been reported in the literature in individuals affected with DYSF-related conditions. Advanced modeling of protein sequence and biophysical properties (such as structural, functional, and spatial information, amino acid conservation, physicochemical variation, residue mobility, and thermodynamic stability) performed at Invitae indicates that this missense variant is not expected to disrupt DYSF protein function with a negative predictive value of 95%. In summary, the available evidence is currently insufficient to determine the role of this variant in disease. Therefore, it has been classified as a Variant of Uncertain Significance.